The following is an entry in ClinVar:

ClinVar aggregate classification (germline): Uncertain significance (1 of 4 stars; one submission).

Conditions:
Lower motor neuron syndrome with late-adult onset (SMAJ). Also called: Late-Onset Spinal Motor Neuronopathy (SMAJ); Spinal muscular atrophy, Jokela type. Identifiers: Orphanet 276435, MedGen C3554398, MONDO:0014025, OMIM 615048.
Frontotemporal dementia and/or amyotrophic lateral sclerosis 2. Also called: FTDALS2. Identifiers: Orphanet 275872, MedGen C4014648, MONDO:0014395, OMIM 615911.
Autosomal dominant mitochondrial myopathy with exercise intolerance (IMMD). Also called: Myopathy, isolated mitochondrial, autosomal dominant. Identifiers: Orphanet 457050, MedGen C4015513, MONDO:0014532, OMIM 616209.

Allele frequency attached by ClinVar (database versions not stated): gnomAD exomes below 0.00001.

Submission:

Labcorp Genetics (formerly Invitae), Labcorp
Classification: Uncertain significance for Lower motor neuron syndrome with late-adult onset; Frontotemporal dementia and/or amyotrophic lateral sclerosis 2; Autosomal dominant mitochondrial myopathy with exercise intolerance. Last evaluated: 2022-02-25. Review status: criteria provided, single submitter. Criteria: Invitae Variant Classification Sherloc (09022015). Collection method: clinical testing. Allele origin: germline.
Comment: In summary, the available evidence is currently insufficient to determine the role of this variant in disease. Therefore, it has been classified as a Variant of Uncertain Significance. Algorithms developed to predict the effect of missense changes on protein structure and function are either unavailable or do not agree on the potential impact of this missense change (SIFT: "Deleterious"; PolyPhen-2: "Probably Damaging"; Align-GVGD: "Class C15"). This variant has not been reported in the literature in individuals affected with CHCHD10-related conditions. This variant is present in population databases (no rsID available, gnomAD 0.01%). This sequence change replaces glutamic acid, which is acidic and polar, with lysine, which is basic and polar, at codon 105 of the CHCHD10 protein (p.Glu105Lys).

NM_213720.3(CHCHD10):c.313G>A (p.Glu105Lys)

Gene: CHCHD10 (coiled-coil-helix-coiled-coil-helix domain containing 10; minus strand). Cytogenetic location: 22q11.23.
Variant type: single nucleotide variant.
Coding change: c.313G>A on transcript NM_213720.3 (MANE Select); coding-DNA position 313, G replaced by A.
Protein change: p.Glu105Lys; replaces glutamic acid 105 with lysine.
Molecular consequence: missense variant. On other transcripts: non-coding transcript variant (2).
Genome position (GRCh38, 1-based): chr22:23,766,224, C>T on the plus strand (G>A on the coding strand, the complement: CHCHD10 is on the minus strand). VCF-style: chr22-23766224-C-T. GRCh37 (hg19) VCF-style: chr22-24108411-C-T.
Other names: c.334G>A, p.Glu112Lys (NM_001301339.2); short protein forms E105K, E112K.
Identifiers: ClinVar variation 2041829 (VCV002041829.4), dbSNP rs1365346071, ClinGen allele CA410914893.